The following is an entry in ClinVar:

ClinVar aggregate classification (germline): Uncertain significance. Review status: criteria provided, multiple submitters, no conflicts (2 of 4 stars). 3 submissions from 3 submitters: Uncertain significance (3). Last evaluated 2025-08-04.

Conditions:
Hereditary cancer-predisposing syndrome. Also called: Neoplastic Syndromes, Hereditary; Tumor predisposition; Hereditary Cancer Syndrome; Hereditary neoplastic syndrome. Identifiers: Orphanet 140162, MedGen C0027672, MeSH D009386, MONDO:0015356.
Hereditary breast ovarian cancer syndrome. Also called: Hereditary breast and/or ovarian cancer syndrome; Hereditary breast and ovarian cancer syndrome; Breast and ovarian cancer; Hereditary breast and ovarian cancer; BRCA1- and BRCA2-Associated Hereditary Breast and Ovarian Cancer; Hereditary breast and ovarian cancer syndrome (HBOC). Identifiers: Orphanet 145, MedGen C0677776, MeSH D061325, MONDO:0003582. Disease mechanism: loss of function.

Submissions (3):

Quest Diagnostics Nichols Institute San Juan Capistrano
Classification: Uncertain significance. Last evaluated: 2025-08-04. Review status: criteria provided, single submitter. Criteria: Quest Diagnostics criteria. Collection method: clinical testing. Allele origin: unknown.
Comment: The BRCA2 c.716G>T (p.Ser239Ile) variant has not been reported in individuals with BRCA2-related conditions in the published literature. This variant has not been reported in large, multi-ethnic general populations (Genome Aggregation Database). Analysis of this variant using bioinformatics tools for the prediction of the effect of amino acid changes on protein structure and function yielded conflicting predictions that this variant is benign or damaging. Based on the available information, we are unable to determine the clinical significance of this variant.

Labcorp Genetics (formerly Invitae), Labcorp
Classification: Uncertain significance for Hereditary breast ovarian cancer syndrome. Last evaluated: 2024-08-27. Review status: criteria provided, single submitter. Criteria: Invitae Variant Classification Sherloc (09022015). Collection method: clinical testing. Allele origin: germline.
Comment: This sequence change replaces serine, which is neutral and polar, with isoleucine, which is neutral and non-polar, at codon 239 of the BRCA2 protein (p.Ser239Ile). This variant is not present in population databases (gnomAD no frequency). This variant has not been reported in the literature in individuals affected with BRCA2-related conditions. ClinVar contains an entry for this variant (Variation ID: 1757475). Invitae Evidence Modeling of protein sequence and biophysical properties (such as structural, functional, and spatial information, amino acid conservation, physicochemical variation, residue mobility, and thermodynamic stability) indicates that this missense variant is not expected to disrupt BRCA2 protein function with a negative predictive value of 95%. In summary, the available evidence is currently insufficient to determine the role of this variant in disease. Therefore, it has been classified as a Variant of Uncertain Significance.

Ambry Genetics
Classification: Uncertain significance for Hereditary cancer-predisposing syndrome. Last evaluated: 2021-04-26. Review status: criteria provided, single submitter. Criteria: Ambry Variant Classification Scheme 2023. Collection method: clinical testing. Allele origin: germline.
Comment: The p.S239I variant (also known as c.716G>T), located in coding exon 8 of the BRCA2 gene, results from a G to T substitution at nucleotide position 716. The serine at codon 239 is replaced by isoleucine, an amino acid with dissimilar properties. This amino acid position is not well conserved in available vertebrate species. In addition, this alteration is predicted to be tolerated by in silico analysis. Since supporting evidence is limited at this time, the clinical significance of this alteration remains unclear.

NM_000059.4(BRCA2):c.716G>T (p.Ser239Ile)

Gene: BRCA2 (BRCA2 DNA repair associated; plus strand). Cytogenetic location: 13q13.1.
Variant type: single nucleotide variant.
Coding change: c.716G>T on transcript NM_000059.4 (MANE Select); coding-DNA position 716, G replaced by T.
Protein change: p.Ser239Ile; replaces serine 239 with isoleucine.
Molecular consequence: missense variant.
Genome position (GRCh38, 1-based): chr13:32,330,953, G>T. VCF-style: chr13-32330953-G-T. GRCh37 (hg19) VCF-style: chr13-32905090-G-T.
Other names: c.716G>T, p.Ser239Ile (NM_001406719.1, NM_001406720.1, NM_001406721.1); c.347G>T, p.Ser116Ile (NM_001406722.1); short protein forms S239I, S116I.
Identifiers: ClinVar variation 1757475 (VCV001757475.5), dbSNP rs2137461403, ClinGen allele CA387759974.